The following is an entry in ClinVar:

NM_001364905.1(LRBA):c.3930C>A (p.Asn1310Lys)

Gene: LRBA (LPS responsive beige-like anchor protein; minus strand). Cytogenetic location: 4q31.3.
Variant type: single nucleotide variant.
Coding change: c.3930C>A on transcript NM_001364905.1 (MANE Select); coding-DNA position 3930, C replaced by A.
Protein change: p.Asn1310Lys; replaces asparagine 1310 with lysine.
Molecular consequence: missense variant.
Genome position (GRCh38, 1-based): chr4:150,850,798, G>T on the plus strand (C>A on the coding strand, the complement: LRBA is on the minus strand). VCF-style: chr4-150850798-G-T. GRCh37 (hg19) VCF-style: chr4-151771950-G-T.
Other names: c.3930C>A, p.Asn1310Lys (NM_001199282.3, NM_001367550.1, NM_006726.5); short protein forms N1310K.
Identifiers: ClinVar variation 1714148 (VCV001714148.5), dbSNP rs2546494875, ClinGen allele CA358455491.

ClinVar aggregate classification (germline): Uncertain significance (1 of 4 stars; one submission).

Conditions:
Combined immunodeficiency due to LRBA deficiency. Also called: Common variable immunodeficiency 8, with autoimmunity. Identifiers: Orphanet 445018, MedGen C3553512, MONDO:0013863, OMIM 614700.

Submission:

Labcorp Genetics (formerly Invitae), Labcorp
Classification: Uncertain significance for Combined immunodeficiency due to LRBA deficiency. Last evaluated: 2023-10-03. Review status: criteria provided, single submitter. Criteria: Invitae Variant Classification Sherloc (09022015). Collection method: clinical testing. Allele origin: germline.
Comment: This sequence change replaces asparagine, which is neutral and polar, with lysine, which is basic and polar, at codon 1310 of the LRBA protein (p.Asn1310Lys). This variant is not present in population databases (gnomAD no frequency). This variant has not been reported in the literature in individuals affected with LRBA-related conditions. ClinVar contains an entry for this variant (Variation ID: 1714148). Algorithms developed to predict the effect of missense changes on protein structure and function output the following: SIFT: "Not Available"; PolyPhen-2: "Benign"; Align-GVGD: "Not Available". The lysine amino acid residue is found in multiple mammalian species, which suggests that this missense change does not adversely affect protein function. Algorithms developed to predict the effect of sequence changes on RNA splicing suggest that this variant may disrupt the consensus splice site. In summary, the available evidence is currently insufficient to determine the role of this variant in disease. Therefore, it has been classified as a Variant of Uncertain Significance.